The following is an entry in ClinVar:

NM_004187.5(KDM5C):c.3553A>G (p.Thr1185Ala)

Gene: KDM5C (lysine demethylase 5C; minus strand). Cytogenetic location: Xp11.22.
Variant type: single nucleotide variant.
Coding change: c.3553A>G on transcript NM_004187.5 (MANE Select); coding-DNA position 3553, A replaced by G.
Protein change: p.Thr1185Ala; replaces threonine 1185 with alanine.
Molecular consequence: missense variant. On other transcripts: non-coding transcript variant (3).
Genome position (GRCh38, 1-based): chrX:53,194,624, T>C on the plus strand (A>G on the coding strand, the complement: KDM5C is on the minus strand). VCF-style: chrX-53194624-T-C. GRCh37 (hg19) VCF-style: chrX-53223806-T-C.
Other names: NC_000023.10:g.53223806T>C; c.3352A>G, p.Thr1118Ala (NM_001146702.2); c.3550A>G, p.Thr1184Ala (NM_001282622.3, NM_001353979.2, NM_001353982.2); c.3553A>G, p.Thr1185Ala (NM_001353978.3, NM_001353981.2, NM_001353984.2); short protein forms T1118A, T1184A, T1185A.
Identifiers: ClinVar variation 4084628 (VCV004084628.9).

ClinVar aggregate classification (germline): Likely benign (1 of 4 stars; one submission).

gnomAD v4.1: 4 of 1,209,733 alleles (0.00033%); highest among the groups gnomAD compares: African/African-American, 0.0053%; no homozygotes.

Submissions (2):

CeGaT Center for Human Genetics Tuebingen
Classification: Likely benign. Last evaluated: 2025-07-01. Review status: criteria provided, single submitter. Criteria: CeGaT Center For Human Genetics Tuebingen Variant Classification Criteria Version 2. Collection method: clinical testing. Allele origin: germline. Affected: yes. Observed: 1 variant allele.
Comment: KDM5C: BP4

Dr. Peter K. Rogan Lab, Western University
No classification provided (evidence only). Condition: Nonpapillary renal cell carcinoma. Review status: no classification provided. Collection method: in vitro. Allele origin: not applicable. Functional consequence: skipped exon. Not counted in ClinVar's aggregate classification.